The following is an entry in ClinVar:

NM_000719.7(CACNA1C):c.4726+3A>G

Genes: CACNA1C (calcium voltage-gated channel subunit alpha1 C; plus strand), CACNA1C-AS2 (CACNA1C antisense RNA 2; minus strand). Cytogenetic location: 12p13.33.
Variant type: single nucleotide variant.
Coding change: c.4726+3A>G on transcript NM_000719.7 (MANE Select); 3 bases into the intron after coding-DNA position 4726, A replaced by G.
Molecular consequence: intron variant.
Genome position (GRCh38, 1-based): chr12:2,669,038, A>G. VCF-style: chr12-2669038-A-G. GRCh37 (hg19) VCF-style: chr12-2778204-A-G.
Other names: c.4726+3A>G (NM_001167624.3, NM_001167623.2, NM_001129840.2 and 7 more transcripts); c.4693+3A>G (NM_001167625.2, NM_001129837.2, NM_001129838.2 and 1 more transcripts); c.4870+3A>G (NM_199460.4, NM_001129827.2); c.4786+3A>G (NM_001129832.2); c.4810+3A>G (NM_001129831.2); c.4792+3A>G (NM_001129829.2); c.4687+3A>G (NM_001129839.2); c.4777+3A>G (NM_001129836.2); and 1 more.
Identifiers: ClinVar variation 842097 (VCV000842097.10), dbSNP rs982682310, ClinGen allele CA231600802.
Genomic context (GRCh38, chr12:2,669,038, plus strand): 5'-ATGTTCAATGCCACCCTGTTTGCCCTGGTCAGGACGGCCCTGAGGATCAAAACAGAAGGT[A>G]AGGTCGCCCGTGGGCACTGGGAGAGACACTCAGAAGGTCTAGCAGACAATCAGAGAGGAG-3'

ClinVar aggregate classification (germline): Uncertain significance. Review status: criteria provided, multiple submitters, no conflicts (2 of 4 stars). 2 submissions from 2 submitters: Uncertain significance (2). Last evaluated 2025-10-10.

Conditions:
Cardiovascular phenotype. Identifiers: MedGen CN230736.
Long QT syndrome (LQTS). Identifiers: MedGen C0023976, MeSH D008133, MONDO:0002442. Disease mechanism: loss of function. Inheritance: Various modes of inheritance.

Allele frequency attached by ClinVar (database versions not stated): gnomAD exomes below 0.00001 and 0.00001; gnomAD 0.00002; TOPMed 0.00005.
gnomAD v4.1: 8 of 1,604,542 alleles (0.0005%); highest among the groups gnomAD compares: African/African-American, 0.008%; no homozygotes.

Submissions (2):

Labcorp Genetics (formerly Invitae), Labcorp
Classification: Uncertain significance for Long QT syndrome. Last evaluated: 2025-10-10. Review status: criteria provided, single submitter. Criteria: Invitae Variant Classification Sherloc (09022015). Collection method: clinical testing. Allele origin: germline.
Comment: This sequence change falls in intron 38 of the CACNA1C gene. It does not directly change the encoded amino acid sequence of the CACNA1C protein. It affects a nucleotide within the consensus splice site. This variant is present in population databases (no rsID available, gnomAD 0.008%). This variant has not been reported in the literature in individuals affected with CACNA1C-related conditions. ClinVar contains an entry for this variant (Variation ID: 842097). Variants that disrupt the consensus splice site are a relatively common cause of aberrant splicing (PMID: 17576681, 9536098). Algorithms developed to predict the effect of sequence changes on RNA splicing suggest that this variant is not likely to affect RNA splicing. In summary, the available evidence is currently insufficient to determine the role of this variant in disease. Therefore, it has been classified as a Variant of Uncertain Significance.

Ambry Genetics
Classification: Uncertain significance for Cardiovascular phenotype. Last evaluated: 2022-03-21. Review status: criteria provided, single submitter. Criteria: Ambry Variant Classification Scheme 2023. Collection method: clinical testing. Allele origin: germline.
Comment: The c.4726+3A>G intronic variant results from an A to G substitution 3 nucleotides after coding exon 38 in the CACNA1C gene. This nucleotide position is well conserved in available vertebrate species. In silico splice site analysis predicts that this alteration will not have any significant effect on splicing. Since supporting evidence is limited at this time, the clinical significance of this alteration remains unclear.

Literature cited by the submitters: PubMed 17576681 (cited by Labcorp Genetics (formerly Invitae), Labcorp); PubMed 9536098 (cited by Labcorp Genetics (formerly Invitae), Labcorp).